The following is an entry in ClinVar:

ClinVar aggregate classification (germline): Pathogenic (1 of 4 stars; one submission).

Conditions:
Glycine encephalopathy. Also called: Nonketotic hyperglycinemia; Non-ketotic hyperglycinemia. Identifiers: Orphanet 407, MedGen C0751748, MONDO:0011612, HP:0008288.

Submission:

Labcorp Genetics (formerly Invitae), Labcorp
Classification: Pathogenic for Glycine encephalopathy. Last evaluated: 2022-07-21. Review status: criteria provided, single submitter. Criteria: Invitae Variant Classification Sherloc (09022015). Collection method: clinical testing. Allele origin: germline.
Comment: For these reasons, this variant has been classified as Pathogenic. ClinVar contains an entry for this variant (Variation ID: 1071227). This variant has not been reported in the literature in individuals affected with GLDC-related conditions. This variant is not present in population databases (gnomAD no frequency). This sequence change creates a premature translational stop signal (p.Leu196Cysfs*35) in the GLDC gene. It is expected to result in an absent or disrupted protein product. Loss-of-function variants in GLDC are known to be pathogenic (PMID: 16601880).

Literature cited by the submitters: PubMed 16601880.

NM_000170.3(GLDC):c.586del (p.Leu196fs)

Gene: GLDC (glycine decarboxylase; minus strand). Cytogenetic location: 9p24.1.
Variant type: Deletion.
Coding change: c.586del on transcript NM_000170.3 (MANE Select); coding-DNA position 586, one base deleted (C; older notation c.586delC).
Protein change: p.Leu196fs; shifts the reading frame from leucine 196.
Molecular consequence: frameshift variant.
Genome position (GRCh38, 1-based): chr9:6,610,241, G deleted on the plus strand (C on the coding strand, the reverse complement: GLDC is on the minus strand); the first of 3 consecutive G bases (chr9:6,610,241-6,610,243); deleting any one gives the same sequence. VCF-style (leftmost placement, unchanged base first): chr9-6610240-AG-A. GRCh37 (hg19) VCF-style: chr9-6610240-AG-A.
Other names: short protein forms L196fs.
Identifiers: ClinVar variation 1071227 (VCV001071227.7), dbSNP rs2129916327, ClinGen allele CA2499219926.